The following is an entry in ClinVar:

NM_020975.6(RET):c.3028G>T (p.Val1010Phe)

Gene: RET (ret proto-oncogene; plus strand). Cytogenetic location: 10q11.21.
Variant type: single nucleotide variant.
Coding change: c.3028G>T on transcript NM_020975.6 (MANE Select); coding-DNA position 3028, G replaced by T.
Protein change: p.Val1010Phe; replaces valine 1010 with phenylalanine.
Molecular consequence: missense variant.
Genome position (GRCh38, 1-based): chr10:43,124,971, G>T. VCF-style: chr10-43124971-G-T. GRCh37 (hg19) VCF-style: chr10-43620419-G-T.
Other names: c.3028G>T, p.Val1010Phe (NM_000323.2, NM_001406743.1, NM_001406744.1 and 4 more transcripts); c.2266G>T, p.Val756Phe (NM_001355216.2); c.2899G>T, p.Val967Phe (NM_001406761.1, NM_001406762.1, NM_001406764.1); c.2893G>T, p.Val965Phe (NM_001406763.1, NM_001406765.1); c.2740G>T, p.Val914Phe (NM_001406766.1, NM_001406767.1, NM_001406770.1); c.2764G>T, p.Val922Phe (NM_001406768.1); c.2632G>T, p.Val878Phe (NM_001406769.1, NM_001406772.1); c.2590G>T, p.Val864Phe (NM_001406771.1, NM_001406773.1); and 10 more; short protein forms V1010F, V756F, V666F, V680F, V878F, V668F, V711F, V835F.
Identifiers: ClinVar variation 477362 (VCV000477362.12), dbSNP rs1554820081, ClinGen allele CA376558226.
Genomic context (GRCh38, chr10:43,124,971, plus strand): 5'-CAGGAGCCGGACAAAAGGCCGGTGTTTGCGGACATCAGCAAAGACCTGGAGAAGATGATG[G>T]TTAAGAGGAGAGTGAGTGCCTGGGTCCAATTCCCACAAGCTGAAAGTGGCTTGGGGAGAC-3'
Protein context (NP_066124.1, residues 1000-1020): DISKDLEKMM[Val1010Phe]KRRDYLDLAA

ClinVar aggregate classification (germline): Uncertain significance. Review status: criteria provided, multiple submitters, no conflicts (2 of 4 stars). 4 submissions from 4 submitters: Uncertain significance (4). Last evaluated 2025-08-18.

Conditions:
Hereditary cancer-predisposing syndrome. Also called: Neoplastic Syndromes, Hereditary; Hereditary Cancer Syndrome; Hereditary neoplastic syndrome; Tumor predisposition. Identifiers: Orphanet 140162, MedGen C0027672, MeSH D009386, MONDO:0015356.
Multiple endocrine neoplasia, type 2 (MEN2). Identifiers: Orphanet 653, MedGen C4048306, MONDO:0019003. Disease mechanism: gain of function.

Submissions (4):

Labcorp Genetics (formerly Invitae), Labcorp
Classification: Uncertain significance for Multiple endocrine neoplasia, type 2. Last evaluated: 2025-08-18. Review status: criteria provided, single submitter. Criteria: Invitae Variant Classification Sherloc (09022015). Collection method: clinical testing. Allele origin: germline.
Comment: This sequence change replaces valine, which is neutral and non-polar, with phenylalanine, which is neutral and non-polar, at codon 1010 of the RET protein (p.Val1010Phe). This variant is not present in population databases (gnomAD no frequency). This variant has not been reported in the literature in individuals affected with RET-related conditions. ClinVar contains an entry for this variant (Variation ID: 477362). An algorithm developed to predict the effect of missense changes on protein structure and function (PolyPhen-2) suggests that this variant is likely to be disruptive. In summary, the available evidence is currently insufficient to determine the role of this variant in disease. Therefore, it has been classified as a Variant of Uncertain Significance.

GeneDx
Classification: Uncertain significance. Last evaluated: 2025-07-15. Review status: criteria provided, single submitter. Criteria: GeneDx Variant Classification Process June 2021. Collection method: clinical testing. Allele origin: germline. Affected: yes.
Comment: Not observed at significant frequency in large population cohorts (gnomAD); In silico analysis supports that this missense variant has a deleterious effect on protein structure/function; Has not been previously published as pathogenic or benign to our knowledge; This variant is associated with the following publications: (PMID: 14633923)

Ambry Genetics
Classification: Uncertain significance for Hereditary cancer-predisposing syndrome. Last evaluated: 2025-06-21. Review status: criteria provided, single submitter. Criteria: Ambry Variant Classification Scheme 2023. Collection method: clinical testing. Allele origin: germline.
Comment: The p.V1010F variant (also known as c.3028G>T), located in coding exon 18 of the RET gene, results from a G to T substitution at nucleotide position 3028. The valine at codon 1010 is replaced by phenylalanine, an amino acid with highly similar properties. This amino acid position is conserved. In addition, the in silico prediction for this alteration is inconclusive. Since supporting evidence is limited at this time, the clinical significance of this alteration remains unclear.

All of Us Research Program, National Institutes of Health
Classification: Uncertain significance for Multiple endocrine neoplasia, type 2. Last evaluated: 2024-04-16. Review status: criteria provided, single submitter. Criteria: ACMG Guidelines, 2015. Collection method: clinical testing. Allele origin: germline. Inheritance: Autosomal dominant inheritance. Observed: 1 variant allele, 1 heterozygote.
Comment: This missense variant replaces valine with phenylalanine at codon 1010 of the RET protein. Computational prediction suggests that this variant may not impact protein structure and function (internally defined REVEL score threshold <= 0.5, PMID: 27666373). To our knowledge, functional studies have not been reported for this variant. This variant has not been reported in individuals affected with RET-related disorders in the literature. This variant has not been identified in the general population by the Genome Aggregation Database (gnomAD). The available evidence is insufficient to determine the role of this variant in disease conclusively. Therefore, this variant is classified as a Variant of Uncertain Significance.

This study involves interpretation of variants in research participants for the purpose of population health screening. Participant phenotype was not available at the time of variant classification. Additional details can be found in publication PMID: 35346344, PMCID: PMC8962531